The following is an entry in ClinVar:

NM_033026.6(PCLO):c.12820G>A (p.Ala4274Thr)

Gene: PCLO (piccolo presynaptic cytomatrix protein; minus strand). Cytogenetic location: 7q21.11.
Variant type: single nucleotide variant.
Coding change: c.12820G>A on transcript NM_033026.6 (MANE Select); coding-DNA position 12820, G replaced by A.
Protein change: p.Ala4274Thr; replaces alanine 4274 with threonine.
Molecular consequence: missense variant.
Genome position (GRCh38, 1-based): chr7:82,915,166, C>T on the plus strand (G>A on the coding strand, the complement: PCLO is on the minus strand). VCF-style: chr7-82915166-C-T. GRCh37 (hg19) VCF-style: chr7-82544482-C-T.
Other names: c.12820G>A, p.Ala4274Thr (NM_014510.3); short protein forms A4274T.
Identifiers: ClinVar variation 1475619 (VCV001475619.8), dbSNP rs777954844, ClinGen allele CA4319301.

ClinVar aggregate classification (germline): Uncertain significance (1 of 4 stars; one submission).

gnomAD v4.1: 5 of 1,599,158 alleles (0.00031%); highest among the groups gnomAD compares: Non-Finnish European, 0.00043%; no homozygotes.

Submission:

Labcorp Genetics (formerly Invitae), Labcorp
Classification: Uncertain significance. Last evaluated: 2021-04-18. Review status: criteria provided, single submitter. Criteria: Invitae Variant Classification Sherloc (09022015). Collection method: clinical testing. Allele origin: germline.
Comment: In summary, the available evidence is currently insufficient to determine the role of this variant in disease. Therefore, it has been classified as a Variant of Uncertain Significance. Algorithms developed to predict the effect of missense changes on protein structure and function are either unavailable or do not agree on the potential impact of this missense change (SIFT: "Tolerated"; PolyPhen-2: "Not Available"; Align-GVGD: "Class C0"). This variant has not been reported in the literature in individuals with PCLO-related conditions. This variant is present in population databases (rs777954844, ExAC 0.003%). This sequence change replaces alanine with threonine at codon 4274 of the PCLO protein (p.Ala4274Thr). The alanine residue is weakly conserved and there is a small physicochemical difference between alanine and threonine.